The following is an entry in ClinVar:

ClinVar aggregate classification (germline): Pathogenic (1 of 4 stars; one submission).

Conditions:
Hereditary cancer-predisposing syndrome. Also called: Neoplastic Syndromes, Hereditary; Tumor predisposition; Hereditary Cancer Syndrome; Hereditary neoplastic syndrome. Identifiers: Orphanet 140162, MedGen C0027672, MeSH D009386, MONDO:0015356.

Submission:

Ambry Genetics
Classification: Pathogenic for Hereditary cancer-predisposing syndrome. Last evaluated: 2020-11-23. Review status: criteria provided, single submitter. Criteria: Ambry Variant Classification Scheme 2023. Collection method: clinical testing. Allele origin: germline.
Comment: The c.1838_1848dup11 variant, located in coding exon 6 of the AXIN2 gene, results from a duplication of GAGACAGGTCG at nucleotide position 1838, causing a translational frameshift with a predicted alternate stop codon (p.Q617Efs*76). This alteration is expected to result in loss of function by premature protein truncation or nonsense-mediated mRNA decay. As such, this alteration is interpreted as a disease-causing mutation.

NM_004655.4(AXIN2):c.1838_1848dup (p.Gln617fs)

Gene: AXIN2 (axin 2; minus strand). Cytogenetic location: 17q24.1.
Variant type: Duplication.
Coding change: c.1838_1848dup on transcript NM_004655.4 (MANE Select); coding-DNA positions 1838 to 1848, 11 bases duplicated (GAGACAGGTCG).
Protein change: p.Gln617fs; shifts the reading frame from glutamine 617.
Molecular consequence: frameshift variant. On other transcripts: intron variant (1).
Genome position (GRCh38, 1-based): chr17:65,536,928-65,536,938, CGACCTGTCTC duplicated on the plus strand (GAGACAGGTCG on the coding strand, the reverse complement: AXIN2 is on the minus strand); duplicating any 11 consecutive bases within chr17:65,536,928-65,536,939 gives the same sequence; the c. name uses the placement nearest the transcript's 3' end. VCF-style (leftmost placement, unchanged base first): chr17-65536927-G-GCGACCTGTCTC. GRCh37 (hg19) VCF-style: chr17-63533045-G-GCGACCTGTCTC.
Other names: c.1713-385_1713-375dup (NM_001363813.1); c.1838_1848dupGAGACAGGTCG (NM_004655.3); short protein forms Q617fs.
Identifiers: ClinVar variation 1781069 (VCV001781069.2), dbSNP rs2509407247, ClinGen allele CA2580094691.